The following is an entry in ClinVar:

ClinVar aggregate classification (germline): Pathogenic/Likely pathogenic. Review status: criteria provided, multiple submitters, no conflicts (2 of 4 stars). 2 submissions from 2 submitters: Pathogenic (1); Likely pathogenic (1). Last evaluated 2023-01-06.

Conditions:
Von Hippel-Lindau syndrome (VHLS). Also called: von Hippel–Lindau syndrome; Von Hippel-Lindau; VHL syndrome. Identifiers: Orphanet 892, MedGen C0019562, MONDO:0008667, OMIM 193300. Disease mechanism: loss of function.

Submissions (2):

GeneDx
Classification: Likely pathogenic. Last evaluated: 2023-01-06. Review status: criteria provided, single submitter. Criteria: GeneDx Variant Classification Process June 2021. Collection method: clinical testing. Allele origin: germline. Affected: yes.
Comment: Frameshift variant predicted to result in protein truncation, as the last 59 amino acids are replaced with 3 different amino acids, and other loss-of-function variants have been reported downstream in HGMD; Not observed at significant frequency in large population cohorts (gnomAD); Also known as c.675del; p.V226Cfs*4; Observed in at least two individuals in one family with a history consistent with pathogenic variants in this gene (Chen et al., 1995); This variant is associated with the following publications: (PMID: 7728151)

Genomic Diagnostic Laboratory, Division of Genomic Diagnostics, Children's Hospital of Philadelphia
Classification: Pathogenic for von Hippel-Lindau syndrome. Last evaluated: 2018-08-01. Review status: criteria provided, single submitter. Criteria: DGD Variant Analysis Guidelines. Collection method: clinical testing. Allele origin: germline. Affected: yes. Observed: 2 variant alleles.

NM_000551.4(VHL):c.462del (p.Val155fs)

Genes: VHL (von Hippel-Lindau tumor suppressor; plus strand), LOC107303340 (3p25 von Hippel-Lindau tumor suppressor, E3 ubiquitin protein ligase Alu-mediated recombination region; plus strand). Cytogenetic location: 3p25.3.
Variant type: Deletion.
Coding change: c.462del on transcript NM_000551.4 (MANE Select); coding-DNA position 462, one base deleted (A; older notation c.462delA).
Protein change: p.Val155fs; shifts the reading frame from valine 155.
Molecular consequence: frameshift variant. On other transcripts: intron variant (2).
Genome position (GRCh38, 1-based): chr3:10,146,635, A deleted. VCF-style (leftmost placement, unchanged base first): chr3-10146634-CA-C. GRCh37 (hg19) VCF-style: chr3-10188318-CA-C.
Other names: c.*18-3152del (NM_001354723.2); c.341-3152del (NM_198156.3); c.462del (NM_000551.3); c.462delA (NM_000551.3); short protein forms V155fs.
Identifiers: ClinVar variation 625251 (VCV000625251.2), dbSNP rs1559428267, ClinGen allele CA432421926.